The following is an entry in ClinVar:

ClinVar aggregate classification (germline): Uncertain significance (1 of 4 stars; one submission).

Submission:

Women's Health and Genetics/Laboratory Corporation of America, LabCorp
Classification: Uncertain significance. Last evaluated: 2023-09-20. Review status: criteria provided, single submitter. Criteria: LabCorp Variant Classification Summary - May 2015. Collection method: clinical testing. Allele origin: germline.
Comment: Variant summary: BTK c.141+5G>C alters a conserved nucleotide located close to a canonical splice site and therefore could affect mRNA splicing, leading to a significantly altered protein sequence. Several computational tools predict a significant impact on normal splicing: Two predict the variant abolishes a 5' splicing donor site. Two predict the variant weakens a 5' donor site. However, these predictions have yet to be confirmed by functional studies. The variant was absent in 183274 control chromosomes. The available data on variant occurrences in the general population are insufficient to allow any conclusion about variant significance. To our knowledge, no occurrence of c.141+5G>C in individuals affected with X-Linked Agammaglobulinemia and no experimental evidence demonstrating its impact on protein function have been reported. No submitters have cited clinical-significance assessments for this variant to ClinVar after 2014. Based on the evidence outlined above, the variant was classified as uncertain significance.

NM_000061.3(BTK):c.141+5G>C

Gene: BTK (Bruton tyrosine kinase; minus strand). Cytogenetic location: Xq22.1.
Variant type: single nucleotide variant.
Coding change: c.141+5G>C on transcript NM_000061.3 (MANE Select); 5 bases into the intron after coding-DNA position 141, G replaced by C.
Molecular consequence: intron variant.
Genome position (GRCh38, 1-based): chrX:101,375,139, C>G on the plus strand (G>C on the coding strand, the complement: BTK is on the minus strand). VCF-style: chrX-101375139-C-G. GRCh37 (hg19) VCF-style: chrX-100630127-C-G.
Other names: c.243+5G>C (NM_001287344.2); c.141+5G>C (NM_001287345.2).
Identifiers: ClinVar variation 917696 (VCV000917696.2), dbSNP rs1927165677, ClinGen allele CA1139667735.
Genomic context (GRCh38, chrX:101,375,139, plus strand): 5'-CAAGAAAGATCTAAGGCCAAGTCCTTGATATCTTGAAACTCAGTTTTCATAGTCGAGAAA[C>G]TTACCCCACGTTCAAAGTCATACTCATAGTAGGAGAGTTTGTGCACGGTCAAGAGAAACA-3'